The following is an entry in ClinVar:

ClinVar aggregate classification (germline): Pathogenic (1 of 4 stars; one submission).

Conditions:
Exostoses, multiple, type 2 (EXT2). Also called: Hereditary Multiple Osteochondromatosis, Type II; EXOSTOSES, MULTIPLE, TYPE II. Identifiers: Orphanet 321, MedGen C1851413, MONDO:0007586, OMIM 133701.

Submission:

Labcorp Genetics (formerly Invitae), Labcorp
Classification: Pathogenic for Exostoses, multiple, type 2. Last evaluated: 2019-07-21. Review status: criteria provided, single submitter. Criteria: Invitae Variant Classification Sherloc (09022015). Collection method: clinical testing. Allele origin: germline.
Comment: This variant is not present in population databases (ExAC no frequency). This variant has been observed in individual(s) affected with multiple osteochondromas (Invitae). Loss-of-function variants in EXT2 are known to be pathogenic (PMID: 10679937, 19810120). For these reasons, this variant has been classified as Pathogenic. This sequence change creates a premature translational stop signal (p.Gln384*) in the EXT2 gene. It is expected to result in an absent or disrupted protein product.

Literature cited by the submitters: PubMed 10679937; PubMed 19810120.

NM_207122.2(EXT2):c.1150C>T (p.Gln384Ter)

Gene: EXT2 (exostosin glycosyltransferase 2; plus strand). Cytogenetic location: 11p11.2.
Variant type: single nucleotide variant.
Coding change: c.1150C>T on transcript NM_207122.2 (MANE Select); coding-DNA position 1150, C replaced by T.
Protein change: p.Gln384Ter; replaces glutamine 384 with a stop codon.
Molecular consequence: nonsense.
Genome position (GRCh38, 1-based): chr11:44,130,115, C>T. VCF-style: chr11-44130115-C-T. GRCh37 (hg19) VCF-style: chr11-44151665-C-T.
Other names: c.1249C>T, p.Gln417Ter (NM_000401.3); c.1150C>T, p.Gln384Ter (NM_001178083.3, NM_001389628.1, NM_001389630.1); short protein forms Q384*, Q417*.
Identifiers: ClinVar variation 939615 (VCV000939615.10), dbSNP rs753083913, ClinGen allele CA380170425.